The following is an entry in ClinVar:

NC_000020.10:g.(?_62303889)_(62312092_?)del

Gene: RTEL1 (regulator of telomere elongation helicase 1; plus strand). Cytogenetic location: 20q13.33.
Variant type: Deletion.
Identifiers: ClinVar variation 3248303 (VCV003248303.1).

ClinVar aggregate classification (germline): Uncertain significance (1 of 4 stars; one submission).

Conditions:
Dyskeratosis congenita, autosomal recessive 5 (DKCB5). Identifiers: MedGen C3554656, MONDO:0014076, OMIM 615190.
Pulmonary fibrosis and/or bone marrow failure, Telomere-related, 3. Also called: PULMONARY FIBROSIS AND/OR BONE MARROW FAILURE SYNDROME, TELOMERE-RELATED, 3. Identifiers: Orphanet 2032, MedGen C4225346, MONDO:0014613, OMIM 616373.

Submission:

Labcorp Genetics (formerly Invitae), Labcorp
Classification: Uncertain significance for Dyskeratosis congenita, autosomal recessive 5; Pulmonary fibrosis and/or bone marrow failure, Telomere-related, 3. Last evaluated: 2023-11-12. Review status: criteria provided, single submitter. Criteria: Invitae Variant Classification Sherloc (09022015). Collection method: clinical testing. Allele origin: unknown.
Comment: This variant is a gross deletion of the genomic region encompassing exon(s) 9-14 of the RTEL1 gene. This variant would be expected to be in-frame, preserving the integrity of the reading frame. This variant has not been reported in the literature in individuals affected with RTEL1-related conditions. This variant disrupts a region of the RTEL1 protein in which other variant(s) (p.Glu251Lys) have been observed in individuals with RTEL1-related conditions (PMID: 23453664; Invitae). This suggests that this is a clinically significant region of the protein, and that variants that disrupt it are likely to be disease-causing. In summary, the available evidence is currently insufficient to determine the role of this variant in disease. Therefore, it has been classified as a Variant of Uncertain Significance.

Literature cited by the submitters: PubMed 23453664.